The following is an entry in ClinVar:

NM_001211.6(BUB1B):c.1539C>T (p.Asn513=)

Gene: BUB1B (BUB1 mitotic checkpoint serine/threonine kinase B; plus strand). Cytogenetic location: 15q15.1.
Variant type: single nucleotide variant.
Coding change: c.1539C>T on transcript NM_001211.6 (MANE Select); coding-DNA position 1539, C replaced by T.
Protein change: p.Asn513=; no amino-acid change (asparagine 513 retained).
Molecular consequence: synonymous variant.
Genome position (GRCh38, 1-based): chr15:40,200,952, C>T. VCF-style: chr15-40200952-C-T. GRCh37 (hg19) VCF-style: chr15-40493153-C-T.
Identifiers: ClinVar variation 412522 (VCV000412522.37), dbSNP rs140534961, ClinGen allele CA7475793.

ClinVar aggregate classification (germline): Likely benign. Review status: criteria provided, multiple submitters, no conflicts (2 of 4 stars). 3 submissions from 3 submitters: Likely benign (3). Last evaluated 2025-12-21.

Conditions:
Inborn genetic diseases. Identifiers: MedGen C0950123, MeSH D030342.
Mosaic variegated aneuploidy syndrome 1 (MVA1). Also called: Warburton-Anyane-Yeboa syndrome. Identifiers: Orphanet 1052, MedGen C1850343, MONDO:0009759, OMIM 257300.

Allele frequency attached by ClinVar (database versions not stated): gnomAD exomes 0.00016; ExAC 0.00018; ESP Exome Variant Server 0.00023; 1000 Genomes Project 0.00060; 1000 Genomes Project 30x 0.00062; gnomAD 0.00066 and 0.00071; TOPMed 0.00068.
gnomAD v4.1: 184 of 1,613,314 alleles (0.011%); highest among the groups gnomAD compares: African/African-American, 0.22%; no homozygotes.

Submissions (3):

Labcorp Genetics (formerly Invitae), Labcorp
Classification: Likely benign for Mosaic variegated aneuploidy syndrome 1. Last evaluated: 2025-12-21. Review status: criteria provided, single submitter. Criteria: Invitae Variant Classification Sherloc (09022015). Collection method: clinical testing. Allele origin: germline.

CeGaT Center for Human Genetics Tuebingen
Classification: Likely benign. Last evaluated: 2023-02-01. Review status: criteria provided, single submitter. Criteria: CeGaT Center For Human Genetics Tuebingen Variant Classification Criteria Version 2. Collection method: clinical testing. Allele origin: germline. Affected: yes. Observed: 1 variant allele.
Comment: BUB1B: BP4, BP7

Ambry Genetics
Classification: Likely benign for Inborn genetic diseases. Last evaluated: 2022-02-12. Review status: criteria provided, single submitter. Criteria: Ambry Variant Classification Scheme 2023. Collection method: clinical testing. Allele origin: germline.